The following is an entry in ClinVar:

NM_021813.4(BACH2):c.671C>T (p.Ala224Val)

Gene: BACH2 (BACH transcriptional regulator 2; minus strand). Cytogenetic location: 6q15.
Variant type: single nucleotide variant.
Coding change: c.671C>T on transcript NM_021813.4 (MANE Select); coding-DNA position 671, C replaced by T.
Protein change: p.Ala224Val; replaces alanine 224 with valine.
Molecular consequence: missense variant.
Genome position (GRCh38, 1-based): chr6:89,951,435, G>A on the plus strand (C>T on the coding strand, the complement: BACH2 is on the minus strand). VCF-style: chr6-89951435-G-A. GRCh37 (hg19) VCF-style: chr6-90661154-G-A.
Other names: c.671C>T, p.Ala224Val (NM_001170794.2); short protein forms A224V.
Identifiers: ClinVar variation 3618295 (VCV003618295.2).

ClinVar aggregate classification (germline): Uncertain significance (1 of 4 stars; one submission).

gnomAD v4.1: 20 of 1,614,108 alleles (0.0012%); highest among the groups gnomAD compares: Admixed American, 0.0017%; no homozygotes.

Submission:

Labcorp Genetics (formerly Invitae), Labcorp
Classification: Uncertain significance. Last evaluated: 2024-08-18. Review status: criteria provided, single submitter. Criteria: Invitae Variant Classification Sherloc (09022015). Collection method: clinical testing. Allele origin: germline.
Comment: This sequence change replaces alanine, which is neutral and non-polar, with valine, which is neutral and non-polar, at codon 224 of the BACH2 protein (p.Ala224Val). This variant is present in population databases (rs746829056, gnomAD 0.003%). This variant has not been reported in the literature in individuals affected with BACH2-related conditions. Invitae Evidence Modeling of protein sequence and biophysical properties (such as structural, functional, and spatial information, amino acid conservation, physicochemical variation, residue mobility, and thermodynamic stability) indicates that this missense variant is not expected to disrupt BACH2 protein function with a negative predictive value of 80%. In summary, the available evidence is currently insufficient to determine the role of this variant in disease. Therefore, it has been classified as a Variant of Uncertain Significance.